The following is an entry in ClinVar:

ClinVar aggregate classification (germline): Likely pathogenic. Review status: criteria provided, multiple submitters, no conflicts (2 of 4 stars). 2 submissions from 2 submitters: Likely pathogenic (2). Last evaluated 2025-12-19.

Conditions:
MBD4-related disorder. Also called: MBD4-related condition.

Submissions (2):

Labcorp Genetics (formerly Invitae), Labcorp
Classification: Likely pathogenic. Last evaluated: 2025-12-19. Review status: criteria provided, single submitter. Criteria: Invitae Variant Classification Sherloc (09022015). Collection method: clinical testing. Allele origin: germline.
Comment: This sequence change affects a donor splice site in intron 3 of the MBD4 gene. It is expected to disrupt RNA splicing. Variants that disrupt the donor or acceptor splice site typically lead to a loss of protein function (PMID: 16199547), and loss-of-function variants in MBD4 are known to be pathogenic (PMID: 30049810, 35460607). This variant is present in population databases (rs746783412, gnomAD 0.05%). This variant has not been reported in the literature in individuals affected with MBD4-related conditions. ClinVar contains an entry for this variant (Variation ID: 3673751). Algorithms developed to predict the effect of sequence changes on RNA splicing suggest that this variant may disrupt the consensus splice site. In summary, the currently available evidence indicates that the variant is pathogenic, but additional data are needed to prove that conclusively. Therefore, this variant has been classified as Likely Pathogenic.

PreventionGenetics, part of Exact Sciences
Classification: Likely pathogenic for MBD4-related condition. Last evaluated: 2025-12-18. Review status: criteria provided, single submitter. Criteria: ACMG Guidelines, 2015. Collection method: clinical testing. Allele origin: germline.
Comment: The MBD4 c.1201+2T>C variant is predicted to disrupt the GT donor site and interfere with normal splicing. To our knowledge, this variant has not been reported in the literature. This variant is reported in 0.049% of alleles in individuals of East Asian descent in gnomAD. It is interpreted as likely pathogenic in ClinVar (Variation ID: 3673751). Variants that disrupt the consensus splice donor site in MBD4 are expected to be pathogenic. This variant is interpreted as likely pathogenic.

Literature cited by the submitters: PubMed 16199547 (cited by Labcorp Genetics (formerly Invitae), Labcorp); PubMed 30049810 (cited by Labcorp Genetics (formerly Invitae), Labcorp); PubMed 35460607 (cited by Labcorp Genetics (formerly Invitae), Labcorp).

NM_001276270.2(MBD4):c.1183+20T>C

Gene: MBD4 (methyl-CpG binding domain 4, DNA glycosylase; minus strand). Cytogenetic location: 3q21.3.
Variant type: single nucleotide variant.
Coding change: c.1183+20T>C on transcript NM_001276270.2 (MANE Select); 20 bases into the intron after coding-DNA position 1183, T replaced by C.
Molecular consequence: intron variant. On other transcripts: splice donor variant (3).
Genome position (GRCh38, 1-based): chr3:129,436,441, A>G on the plus strand (T>C on the coding strand, the complement: MBD4 is on the minus strand). VCF-style: chr3-129436441-A-G. GRCh37 (hg19) VCF-style: chr3-129155284-A-G.
Other names: c.247+1367T>C (NM_001276273.2); c.1201+2T>C (NM_001276272.2, NM_003925.3, NM_001276271.2 and 1 more transcripts).
Identifiers: ClinVar variation 3673751 (VCV003673751.3).